The following is an entry in ClinVar:

NM_006361.6(HOXB13):c.833T>G (p.Val278Gly)

Gene: HOXB13 (homeobox B13; minus strand). Cytogenetic location: 17q21.32.
Variant type: single nucleotide variant.
Coding change: c.833T>G on transcript NM_006361.6 (MANE Select); coding-DNA position 833, T replaced by G.
Protein change: p.Val278Gly; replaces valine 278 with glycine.
Molecular consequence: missense variant.
Genome position (GRCh38, 1-based): chr17:48,726,812, A>C on the plus strand (T>G on the coding strand, the complement: HOXB13 is on the minus strand). VCF-style: chr17-48726812-A-C. GRCh37 (hg19) VCF-style: chr17-46804174-A-C.
Other names: short protein forms V278G.
Identifiers: ClinVar variation 3526293 (VCV003526293.1).

ClinVar aggregate classification (germline): Uncertain significance (1 of 4 stars; one submission).

Conditions:
Hereditary cancer-predisposing syndrome. Also called: Hereditary Cancer Syndrome; Hereditary neoplastic syndrome; Tumor predisposition; Neoplastic Syndromes, Hereditary. Identifiers: Orphanet 140162, MedGen C0027672, MeSH D009386, MONDO:0015356.

Submission:

Ambry Genetics
Classification: Uncertain significance for Hereditary cancer-predisposing syndrome. Last evaluated: 2024-11-08. Review status: criteria provided, single submitter. Criteria: Ambry Variant Classification Scheme 2023. Collection method: clinical testing. Allele origin: germline.
Comment: The p.V278G variant (also known as c.833T>G), located in coding exon 2 of the HOXB13 gene, results from a T to G substitution at nucleotide position 833. The valine at codon 278 is replaced by glycine, an amino acid with dissimilar properties. This amino acid position is not well conserved in available vertebrate species. In addition, this alteration is predicted to be tolerated by in silico analysis. Based on the available evidence, the clinical significance of this variant remains unclear.